The following is an entry in ClinVar:

NM_000051.4(ATM):c.336A>G (p.Ala112=)

Gene: ATM (ATM serine/threonine kinase; plus strand). Cytogenetic location: 11q22.3.
Variant type: single nucleotide variant.
Coding change: c.336A>G on transcript NM_000051.4 (MANE Select); coding-DNA position 336, A replaced by G.
Protein change: p.Ala112=; no amino-acid change (alanine 112 retained).
Molecular consequence: synonymous variant.
Genome position (GRCh38, 1-based): chr11:108,235,674, A>G. VCF-style: chr11-108235674-A-G. GRCh37 (hg19) VCF-style: chr11-108106401-A-G.
Other names: c.336A>G (NM_000051.3); c.336A>G, p.Ala112= (NM_001351834.2).
Identifiers: ClinVar variation 1095522 (VCV001095522.13), dbSNP rs777759909, ClinGen allele CA6264591.

ClinVar aggregate classification (germline): Benign/Likely benign. Review status: criteria provided, multiple submitters, no conflicts (2 of 4 stars). 4 submissions from 4 submitters: Benign (1); Likely benign (3). Last evaluated 2025-06-07.

Conditions:
Hereditary cancer-predisposing syndrome. Also called: Tumor predisposition; Neoplastic Syndromes, Hereditary; Hereditary Cancer Syndrome; Hereditary neoplastic syndrome. Identifiers: Orphanet 140162, MedGen C0027672, MeSH D009386, MONDO:0015356.
Familial cancer of breast. Also called: BREAST CANCER, FAMILIAL; hereditary breast carcinoma; Hereditary breast cancer. Identifiers: Orphanet 227535, MedGen C0346153, MONDO:0016419, OMIM 114480. Disease mechanism: loss of function.
Ataxia-telangiectasia syndrome (AT). Also called: ATAXIA-TELANGIECTASIA, COMPLEMENTATION GROUP A; ATAXIA-TELANGIECTASIA, FRESNO VARIANT; Ataxia-telangiectasia; Ataxia telangiectasia (A-T); LOUIS-BAR SYNDROME; Ataxia-telangiectasia, complementation group D. Identifiers: Orphanet 100, MedGen C0004135, MONDO:0008840, OMIM 208900.

Allele frequency attached by ClinVar (database versions not stated): gnomAD exomes below 0.00001; TOPMed below 0.00001; ExAC 0.00001.
gnomAD v4.1: 2 of 1,606,720 alleles (0.00012%); highest among the groups gnomAD compares: East Asian, 0.0022%; no homozygotes.

Submissions (4):

Ambry Genetics
Classification: Likely benign for Hereditary cancer-predisposing syndrome. Last evaluated: 2025-06-07. Review status: criteria provided, single submitter. Criteria: Ambry Variant Classification Scheme 2023. Collection method: clinical testing. Allele origin: germline.

Athena Diagnostics
Classification: Likely benign. Last evaluated: 2024-06-19. Review status: criteria provided, single submitter. Criteria: Athena Diagnostics Criteria. Collection method: clinical testing. Allele origin: unknown.

Myriad Genetics, Inc.
Classification: Benign for Familial cancer of breast. Last evaluated: 2024-04-18. Review status: criteria provided, single submitter. Criteria: Myriad Autosomal Dominant, Autosomal Recessive and X-Linked Classification Criteria (2023). Collection method: clinical testing. Allele origin: unknown.
Comment: This variant is considered benign. This variant is a silent/synonymous amino acid change and it is not expected to impact splicing.

Labcorp Genetics (formerly Invitae), Labcorp
Classification: Likely benign for Ataxia-telangiectasia syndrome. Last evaluated: 2022-09-08. Review status: criteria provided, single submitter. Criteria: Invitae Variant Classification Sherloc (09022015). Collection method: clinical testing. Allele origin: germline.